The following is an entry in ClinVar:

NM_000466.3(PEX1):c.3485C>G (p.Pro1162Arg)

Genes: GATAD1 (GATA zinc finger domain containing 1; plus strand), PEX1 (peroxisomal biogenesis factor 1; minus strand). Cytogenetic location: 7q21.2.
Variant type: single nucleotide variant.
Coding change: c.3485C>G on transcript NM_000466.3 (MANE Select); coding-DNA position 3485, C replaced by G.
Protein change: p.Pro1162Arg; replaces proline 1162 with arginine.
Molecular consequence: missense variant.
Genome position (GRCh38, 1-based): chr7:92,489,865, G>C on the plus strand (C>G on the coding strand, the complement: PEX1 is on the minus strand). VCF-style: chr7-92489865-G-C. GRCh37 (hg19) VCF-style: chr7-92119179-G-C.
Other names: c.3314C>G, p.Pro1105Arg (NM_001282677.2); c.2861C>G, p.Pro954Arg (NM_001282678.2); short protein forms P1162R, P1105R, P954R.
Identifiers: ClinVar variation 1497236 (VCV001497236.3), dbSNP rs139869362, ClinGen allele CA4340809.

ClinVar aggregate classification (germline): Uncertain significance (1 of 4 stars; one submission).

Conditions:
Zellweger spectrum disorders (ZS). Also called: Zellweger syndrome; Zellweger Spectrum Disorder (ZSD); Zellweger Spectrum Disorder; Zellweger Spectrum. Identifiers: Orphanet 912, MedGen C0043459, MONDO:0019609.

Allele frequency attached by ClinVar (database versions not stated): gnomAD 0.00001 and 0.00002; gnomAD exomes 0.00001; ExAC 0.00002; TOPMed 0.00002; ESP Exome Variant Server 0.00008.
gnomAD v4.1: 7 of 1,613,932 alleles (0.00043%); highest among the groups gnomAD compares: Admixed American, 0.0067%; no homozygotes.

Submission:

Labcorp Genetics (formerly Invitae), Labcorp
Classification: Uncertain significance for Zellweger spectrum disorders. Last evaluated: 2022-07-18. Review status: criteria provided, single submitter. Criteria: Invitae Variant Classification Sherloc (09022015). Collection method: clinical testing. Allele origin: germline.
Comment: This sequence change replaces proline, which is neutral and non-polar, with arginine, which is basic and polar, at codon 1162 of the PEX1 protein (p.Pro1162Arg). This variant is not present in population databases (gnomAD no frequency). This variant has not been reported in the literature in individuals affected with PEX1-related conditions. ClinVar contains an entry for this variant (Variation ID: 1497236). Advanced modeling of protein sequence and biophysical properties (such as structural, functional, and spatial information, amino acid conservation, physicochemical variation, residue mobility, and thermodynamic stability) performed at Invitae indicates that this missense variant is not expected to disrupt PEX1 protein function. In summary, the available evidence is currently insufficient to determine the role of this variant in disease. Therefore, it has been classified as a Variant of Uncertain Significance.